The following is an entry in ClinVar:

ClinVar aggregate classification (germline): Benign (0 of 4 stars; one submission).

Conditions:
PXDNL-related disorder. Also called: PXDNL-related condition.

Allele frequency attached by ClinVar (database versions not stated): ESP Exome Variant Server 0.02460; TOPMed 0.03405; gnomAD 0.03455; 1000 Genomes Project 30x 0.06824; 1000 Genomes Project 0.07089.
gnomAD v4.1: 58,368 of 1,605,878 alleles (3.6%); highest among the groups gnomAD compares: East Asian, 22%; 2,187 homozygotes.

Submissions (10):

PreventionGenetics, part of Exact Sciences
Classification: Benign for PXDNL-related condition. Last evaluated: 2019-12-18. Review status: no assertion criteria provided. Collection method: clinical testing. Allele origin: germline.
Comment: This variant is classified as benign based on ACMG/AMP sequence variant interpretation guidelines (Richards et al. 2015 PMID: 25741868, with internal and published modifications).

Dr. Peter K. Rogan Lab, Western University
No classification provided (evidence only). Condition: Lung cancer. Review status: no classification provided. Collection method: in vitro. Allele origin: not applicable. Functional consequence: retained intron. Not counted in ClinVar's aggregate classification.

Dr. Peter K. Rogan Lab, Western University
No classification provided (evidence only). Condition: Lung cancer. Review status: no classification provided. Collection method: in vitro. Allele origin: not applicable. Functional consequence: retained intron. Not counted in ClinVar's aggregate classification.

Dr. Peter K. Rogan Lab, Western University
No classification provided (evidence only). Condition: Sarcoma. Review status: no classification provided. Collection method: in vitro. Allele origin: not applicable. Functional consequence: retained intron. Not counted in ClinVar's aggregate classification.

Dr. Peter K. Rogan Lab, Western University
No classification provided (evidence only). Condition: Sarcoma. Review status: no classification provided. Collection method: in vitro. Allele origin: not applicable. Functional consequence: retained intron. Not counted in ClinVar's aggregate classification.

Dr. Peter K. Rogan Lab, Western University
No classification provided (evidence only). Condition: Sarcoma. Review status: no classification provided. Collection method: in vitro. Allele origin: not applicable. Functional consequence: retained intron. Not counted in ClinVar's aggregate classification.

Dr. Peter K. Rogan Lab, Western University
No classification provided (evidence only). Condition: Sarcoma. Review status: no classification provided. Collection method: in vitro. Allele origin: not applicable. Functional consequence: retained intron. Not counted in ClinVar's aggregate classification.

Dr. Peter K. Rogan Lab, Western University
No classification provided (evidence only). Condition: Malignant lymphoma, large B-cell, diffuse. Review status: no classification provided. Collection method: in vitro. Allele origin: not applicable. Functional consequence: skipped exon. Not counted in ClinVar's aggregate classification.

Dr. Peter K. Rogan Lab, Western University
No classification provided (evidence only). Condition: Thymoma. Review status: no classification provided. Collection method: in vitro. Allele origin: not applicable. Functional consequence: retained intron. Not counted in ClinVar's aggregate classification.

Dr. Peter K. Rogan Lab, Western University
No classification provided (evidence only). Condition: Ovarian serous cystadenocarcinoma. Review status: no classification provided. Collection method: in vitro. Allele origin: not applicable. Functional consequence: retained intron. Not counted in ClinVar's aggregate classification.

NM_144651.5(PXDNL):c.1818C>T (p.Gly606=)

Gene: PXDNL (peroxidasin like; minus strand). Cytogenetic location: 8q11.22.
Variant type: single nucleotide variant.
Coding change: c.1818C>T on transcript NM_144651.5 (MANE Select); coding-DNA position 1818, C replaced by T.
Protein change: p.Gly606=; no amino-acid change (glycine 606 retained).
Molecular consequence: synonymous variant.
Genome position (GRCh38, 1-based): chr8:51,413,236, G>A on the plus strand (C>T on the coding strand, the complement: PXDNL is on the minus strand). VCF-style: chr8-51413236-G-A. GRCh37 (hg19) VCF-style: chr8-52325796-G-A.
Other names: NC_000008.10:g.52325796G>A.
Identifiers: ClinVar variation 3060006 (VCV003060006.3), dbSNP rs10504119, ClinGen allele CA4745224.